The following is an entry in ClinVar:

NM_012062.5(DNM1L):c.1227_1228del (p.Glu410fs)

Gene: DNM1L (dynamin 1 like; plus strand). Cytogenetic location: 12p11.21.
Variant type: Deletion.
Coding change: c.1227_1228del on transcript NM_012062.5 (MANE Select); coding-DNA positions 1227 to 1228, 2 bases deleted (TG; older notation c.1227_1228delTG).
Protein change: p.Glu410fs; shifts the reading frame from glutamic acid 410.
Molecular consequence: frameshift variant.
Genome position (GRCh38, 1-based): chr12:32,731,382-32,731,383, TG deleted. VCF-style (leftmost placement, unchanged base first): chr12-32731381-CTG-C. GRCh37 (hg19) VCF-style: chr12-32884315-CTG-C.
Other names: c.1227_1228del, p.Glu410fs (NM_001278463.2, NM_005690.5, NM_012063.4); c.1266_1267del, p.Glu423fs (NM_001278464.2, NM_001278465.2, NM_001330380.2); c.618_619del, p.Glu207fs (NM_001278466.2); short protein forms E207fs, E410fs, E423fs.
Identifiers: ClinVar variation 1320222 (VCV001320222.1), dbSNP rs2137523446, ClinGen allele CA2573053652.

ClinVar aggregate classification (germline): Pathogenic (1 of 4 stars; one submission).

Conditions:
Encephalopathy, lethal, due to defective mitochondrial peroxisomal fission 1. Identifiers: Orphanet 330050, MedGen C3280660, MONDO:0013726, OMIM 614388.

Submission:

3billion
Classification: Pathogenic for Encephalopathy, lethal, due to defective mitochondrial peroxisomal fission 1. Last evaluated: 2021-10-02. Review status: criteria provided, single submitter. Criteria: ACMG Guidelines, 2015. Collection method: clinical testing. Allele origin: germline. Affected: yes. Observed: 1 heterozygote.
Comment: Frameshift: predicted to result in a loss or disruption of normal protein function through nonsense-mediated decay (NMD) or protein truncation. Multiple pathogenic variants are reported downstream of the variant (PVS1_VS). The variant was observed as assumed (i.e. paternity and maternity not confirmed) de novoo (3billion dataset, PM6). It is not observed in the gnomAD v2.1.1 dataset (PM2). Therefore, this variant is classified as pathogenic according to the recommendation of ACMG/AMP guideline.